The following is an entry in ClinVar:

ClinVar aggregate classification (germline): Uncertain significance (1 of 4 stars; one submission).

Allele frequency attached by ClinVar (database versions not stated): gnomAD exomes below 0.00001.
gnomAD v4.1: 1 of 1,211,304 alleles (0.000083%); highest among the groups gnomAD compares: East Asian, 0.003%; no homozygotes.

Submission:

Labcorp Genetics (formerly Invitae), Labcorp
Classification: Uncertain significance. Last evaluated: 2023-11-27. Review status: criteria provided, single submitter. Criteria: Invitae Variant Classification Sherloc (09022015). Collection method: clinical testing. Allele origin: germline.
Comment: This sequence change replaces leucine, which is neutral and non-polar, with phenylalanine, which is neutral and non-polar, at codon 649 of the TAF1 protein (p.Leu649Phe). This variant is not present in population databases (gnomAD no frequency). This variant has not been reported in the literature in individuals affected with TAF1-related conditions. An algorithm developed to predict the effect of missense changes on protein structure and function (PolyPhen-2) suggests that this variant is likely to be disruptive. In summary, the available evidence is currently insufficient to determine the role of this variant in disease. Therefore, it has been classified as a Variant of Uncertain Significance.

NM_004606.5(TAF1):c.1885C>T (p.Leu629Phe)

Gene: TAF1 (TATA-box binding protein associated factor 1; plus strand). Cytogenetic location: Xq13.1.
Variant type: single nucleotide variant.
Coding change: c.1885C>T on transcript NM_004606.5 (MANE Select); coding-DNA position 1885, C replaced by T.
Protein change: p.Leu629Phe; replaces leucine 629 with phenylalanine.
Molecular consequence: missense variant. On other transcripts: non-coding transcript variant (9).
Genome position (GRCh38, 1-based): chrX:71,383,102, C>T. VCF-style: chrX-71383102-C-T. GRCh37 (hg19) VCF-style: chrX-70602952-C-T.
Other names: c.1885C>T, p.Leu629Phe (NM_001286074.2); c.1822C>T, p.Leu608Phe (NM_138923.4); short protein forms L608F, L629F.
Identifiers: ClinVar variation 2699189 (VCV002699189.3), dbSNP rs2520225307, ClinGen allele CA413515047.